The following is an entry in ClinVar:

ClinVar aggregate classification (germline): Uncertain significance (1 of 4 stars; one submission).

Allele frequency attached by ClinVar (database versions not stated): TOPMed 0.00001; gnomAD 0.00001.
gnomAD v4.1: 67 of 1,613,910 alleles (0.0042%); highest among the groups gnomAD compares: Non-Finnish European, 0.0055%; no homozygotes.

Submission:

Labcorp Genetics (formerly Invitae), Labcorp
Classification: Uncertain significance. Last evaluated: 2022-05-23. Review status: criteria provided, single submitter. Criteria: Invitae Variant Classification Sherloc (09022015). Collection method: clinical testing. Allele origin: germline.
Comment: This sequence change replaces proline, which is neutral and non-polar, with leucine, which is neutral and non-polar, at codon 1209 of the LRRK1 protein (p.Pro1209Leu). This variant is present in population databases (rs774546820, gnomAD 0.0009%). This variant has not been reported in the literature in individuals affected with LRRK1-related conditions. Algorithms developed to predict the effect of missense changes on protein structure and function (SIFT, PolyPhen-2, Align-GVGD) all suggest that this variant is likely to be tolerated. In summary, the available evidence is currently insufficient to determine the role of this variant in disease. Therefore, it has been classified as a Variant of Uncertain Significance.

NM_024652.6(LRRK1):c.3626C>T (p.Pro1209Leu)

Genes: LRRK1 (leucine rich repeat kinase 1; plus strand), LRRK1-AS1 (LRRK1 antisense RNA 1; minus strand). Cytogenetic location: 15q26.3.
Variant type: single nucleotide variant.
Coding change: c.3626C>T on transcript NM_024652.6 (MANE Select); coding-DNA position 3626, C replaced by T.
Protein change: p.Pro1209Leu; replaces proline 1209 with leucine.
Molecular consequence: missense variant.
Genome position (GRCh38, 1-based): chr15:101,051,897, C>T. VCF-style: chr15-101051897-C-T. GRCh37 (hg19) VCF-style: chr15-101592102-C-T.
Other names: short protein forms P1209L.
Identifiers: ClinVar variation 2073098 (VCV002073098.4), dbSNP rs774546820, ClinGen allele CA275615023.